The following is an entry in ClinVar:

ClinVar aggregate classification (germline): Uncertain significance. Review status: criteria provided, multiple submitters, no conflicts (2 of 4 stars). 2 submissions from 2 submitters: Uncertain significance (2). Last evaluated 2024-03-17.

Conditions:
Pancreatic adenocarcinoma. Identifiers: MedGen C0281361, MONDO:0006047, HP:0006725.

Allele frequency attached by ClinVar (database versions not stated): gnomAD 0.00001; gnomAD exomes 0.00001; TOPMed 0.00001.
gnomAD v4.1: 12 of 1,612,608 alleles (0.00074%); highest among the groups gnomAD compares: East Asian, 0.0022%; no homozygotes.

Submissions (2):

Ambry Genetics
Classification: Uncertain significance. Last evaluated: 2024-03-17. Review status: criteria provided, single submitter. Criteria: Ambry Variant Classification Scheme 2023. Collection method: clinical testing. Allele origin: germline.
Comment: The p.R710H variant (also known as c.2129G>A), located in coding exon 11 of the PALLD gene, results from a G to A substitution at nucleotide position 2129. The arginine at codon 710 is replaced by histidine, an amino acid with highly similar properties. This amino acid position is conserved. In addition, the in silico prediction for this alteration is inconclusive. Since supporting evidence is limited at this time, the clinical significance of this alteration remains unclear.

Labcorp Genetics (formerly Invitae), Labcorp
Classification: Uncertain significance for Pancreatic adenocarcinoma. Last evaluated: 2023-03-14. Review status: criteria provided, single submitter. Criteria: Invitae Variant Classification Sherloc (09022015). Collection method: clinical testing. Allele origin: germline.
Comment: ClinVar contains an entry for this variant (Variation ID: 1786357). This variant has not been reported in the literature in individuals affected with PALLD-related conditions. This variant is present in population databases (rs745941762, gnomAD 0.002%). This sequence change replaces arginine, which is basic and polar, with histidine, which is basic and polar, at codon 223 of the PALLD protein (p.Arg223His). An algorithm developed to predict the effect of missense changes on protein structure and function (PolyPhen-2) suggests that this variant is likely to be tolerated. In summary, the available evidence is currently insufficient to determine the role of this variant in disease. Therefore, it has been classified as a Variant of Uncertain Significance.

NM_001166108.2(PALLD):c.2129G>A (p.Arg710His)

Genes: CBR4 (carbonyl reductase 4; minus strand), PALLD (palladin, cytoskeletal associated protein; plus strand). Cytogenetic location: 4q32.3.
Variant type: single nucleotide variant.
Coding change: c.2129G>A on transcript NM_001166108.2 (MANE Select); coding-DNA position 2129, G replaced by A.
Protein change: p.Arg710His; replaces arginine 710 with histidine.
Molecular consequence: missense variant.
Genome position (GRCh38, 1-based): chr4:168,894,607, G>A. VCF-style: chr4-168894607-G-A. GRCh37 (hg19) VCF-style: chr4-169815758-G-A.
Other names: c.983G>A, p.Arg328His (NM_001166109.2); c.668G>A, p.Arg223His (NM_001166110.2); c.8G>A, p.Arg3His (NM_001367567.1, NM_001367568.1, NM_001367569.1 and 1 more transcripts); c.2129G>A, p.Arg710His (NM_016081.4); short protein forms R223H, R3H, R710H, R328H.
Identifiers: ClinVar variation 1786357 (VCV001786357.5), dbSNP rs745941762, ClinGen allele CA3135833.